The following is an entry in ClinVar:

NM_000108.5(DLD):c.*470G>A

Gene: DLD (dihydrolipoamide dehydrogenase; plus strand). Cytogenetic location: 7q31.1.
Variant type: single nucleotide variant.
Coding change: c.*470G>A on transcript NM_000108.5 (MANE Select); 470 bases downstream of the stop codon, G replaced by A.
Molecular consequence: 3 prime UTR variant.
Genome position (GRCh38, 1-based): chr7:107,919,729, G>A. VCF-style: chr7-107919729-G-A. GRCh37 (hg19) VCF-style: chr7-107560174-G-A.
Other names: c.*470G>A (NM_001289750.1, NM_001289751.1, NM_001289752.1).
Identifiers: ClinVar variation 358578 (VCV000358578.5), dbSNP rs111619940, ClinGen allele CA10627980.

ClinVar aggregate classification (germline): Conflicting classifications of pathogenicity. Review status: criteria provided, conflicting classifications (1 of 4 stars). 3 submissions from 1 submitter: Uncertain significance (2); Likely benign (1). Last evaluated 2018-01-12.

Conditions:
Pyruvate dehydrogenase E3 deficiency (DLDD). Also called: Lipoamide dehydrogenase deficiency, lactic acidosis due to; Lipoamide dehydrogenase deficiency; Dihydrolipoamide Dehydrogenase (E3) Deficiency; MAPLE SYRUP URINE DISEASE, TYPE III; DLD DEFICIENCY; E3 DEFICIENCY. Identifiers: Orphanet 2394, Orphanet 765, MedGen C5574660, MONDO:0009529, OMIM 246900.
Pyruvate dehydrogenase complex deficiency (PDHC). Also called: Pyruvate dehydrogenase deficiency; Ataxia with lactic acidosis 1; PYRUVATE DECARBOXYLASE DEFICIENCY; PDH DEFICIENCY; Pyruvate Dehydrogenase Complex Deficiency Disease. Identifiers: Orphanet 765, Orphanet 79243, MedGen C0034345, MONDO:0019169.
Leigh syndrome (NULS). Also called: Subacute necrotizing encephalopathy; Necrotizing encephalopathy infantile subacute of Leigh; Leigh's syndrome; Leigh Disease; Leigh's necrotizing encephalopathy; Leigh's disease. Identifiers: Orphanet 506, MedGen C2931891, MONDO:0009723, OMIM 256000.

Allele frequency attached by ClinVar (database versions not stated): TOPMed 0.00017; 1000 Genomes Project 0.00200; 1000 Genomes Project 30x 0.00219.

Submissions (3):

Illumina Laboratory Services, Illumina
Classification: Uncertain significance for Pyruvate dehydrogenase complex deficiency. Last evaluated: 2018-01-12. Review status: criteria provided, single submitter. Criteria: ICSL Variant Classification Criteria 13 December 2019. Collection method: clinical testing. Allele origin: germline.

Illumina Laboratory Services, Illumina
Classification: Uncertain significance for Leigh syndrome. Last evaluated: 2018-01-12. Review status: criteria provided, single submitter. Criteria: ICSL Variant Classification Criteria 13 December 2019. Collection method: clinical testing. Allele origin: germline.

Illumina Laboratory Services, Illumina
Classification: Likely benign for Pyruvate dehydrogenase E3 deficiency. Last evaluated: 2018-01-12. Review status: criteria provided, single submitter. Criteria: ICSL Variant Classification Criteria 13 December 2019. Collection method: clinical testing. Allele origin: germline.
Comment: This variant was observed in the ICSL laboratory as part of a predisposition screen in an ostensibly healthy population. It had not been previously curated by ICSL or reported in the Human Gene Mutation Database (HGMD: prior to June 1st, 2018), and was therefore a candidate for classification through an automated scoring system. Utilizing variant allele frequency, disease prevalence and penetrance estimates, and inheritance mode, an automated score was calculated to assess if this variant is too frequent to cause the disease. Based on the score and internal cut-off values, a variant classified as likely benign is not then subjected to further curation. The score for this variant resulted in a classification of likely benign for this disease.